The following is an entry in ClinVar:

NM_172364.5(CACNA2D4):c.197C>A (p.Ala66Glu)

Gene: CACNA2D4 (calcium voltage-gated channel auxiliary subunit alpha2delta 4; minus strand). Cytogenetic location: 12p13.33.
Variant type: single nucleotide variant.
Coding change: c.197C>A on transcript NM_172364.5 (MANE Select); coding-DNA position 197, C replaced by A.
Protein change: p.Ala66Glu; replaces alanine 66 with glutamic acid.
Molecular consequence: missense variant.
Genome position (GRCh38, 1-based): chr12:1,918,277, G>T on the plus strand (C>A on the coding strand, the complement: CACNA2D4 is on the minus strand). VCF-style: chr12-1918277-G-T. GRCh37 (hg19) VCF-style: chr12-2027443-G-T.
Other names: short protein forms A66E.
Identifiers: ClinVar variation 2839540 (VCV002839540.3), dbSNP rs368680577, ClinGen allele CA6387657.

ClinVar aggregate classification (germline): Uncertain significance (1 of 4 stars; one submission).

gnomAD v4.1: 2 of 1,605,446 alleles (0.00012%); highest among the groups gnomAD compares: East Asian, 0.0022%; no homozygotes.

Submission:

Labcorp Genetics (formerly Invitae), Labcorp
Classification: Uncertain significance. Last evaluated: 2023-06-03. Review status: criteria provided, single submitter. Criteria: Invitae Variant Classification Sherloc (09022015). Collection method: clinical testing. Allele origin: germline.
Comment: This sequence change replaces alanine, which is neutral and non-polar, with glutamic acid, which is acidic and polar, at codon 66 of the CACNA2D4 protein (p.Ala66Glu). The frequency data for this variant in the population databases is considered unreliable, as metrics indicate poor data quality at this position in the gnomAD database. In summary, the available evidence is currently insufficient to determine the role of this variant in disease. Therefore, it has been classified as a Variant of Uncertain Significance. An algorithm developed to predict the effect of missense changes on protein structure and function (PolyPhen-2) suggests that this variant is likely to be tolerated. This variant has not been reported in the literature in individuals affected with CACNA2D4-related conditions.